The following is an entry in ClinVar:

ClinVar aggregate classification (germline): Uncertain significance (1 of 4 stars; one submission).

Conditions:
Inborn genetic diseases. Identifiers: MedGen C0950123, MeSH D030342.

Submission:

Ambry Genetics
Classification: Uncertain significance for Inborn genetic diseases. Last evaluated: 2023-08-03. Review status: criteria provided, single submitter. Criteria: Ambry Variant Classification Scheme 2023. Collection method: clinical testing. Allele origin: germline.
Comment: The p.R466G variant (also known as c.1396A>G), located in coding exon 13 of the AKT1 gene, results from an A to G substitution at nucleotide position 1396. The arginine at codon 466 is replaced by glycine, an amino acid with dissimilar properties. This amino acid position is conserved. In addition, the in silico prediction for this alteration is inconclusive. Since supporting evidence is limited at this time, the clinical significance of this alteration remains unclear.

NM_001382430.1(AKT1):c.1396A>G (p.Arg466Gly)

Gene: AKT1 (AKT serine/threonine kinase 1; minus strand). Cytogenetic location: 14q32.33.
Variant type: single nucleotide variant.
Coding change: c.1396A>G on transcript NM_001382430.1 (MANE Select); coding-DNA position 1396, A replaced by G.
Protein change: p.Arg466Gly; replaces arginine 466 with glycine.
Molecular consequence: missense variant.
Genome position (GRCh38, 1-based): chr14:104,770,388, T>C on the plus strand (A>G on the coding strand, the complement: AKT1 is on the minus strand). VCF-style: chr14-104770388-T-C. GRCh37 (hg19) VCF-style: chr14-105236725-T-C.
Other names: c.1396A>G, p.Arg466Gly (NM_001014431.2, NM_001014432.2, NM_001382431.1 and 3 more transcripts); short protein forms R466G.
Identifiers: ClinVar variation 2587638 (VCV002587638.2), dbSNP rs1418994529, ClinGen allele CA391214301.